The following is an entry in ClinVar:

NM_003073.5(SMARCB1):c.204T>G (p.His68Gln)

Gene: SMARCB1 (SWI/SNF related BAF chromatin remodeling complex subunit B1; plus strand). Cytogenetic location: 22q11.23.
Variant type: single nucleotide variant.
Coding change: c.204T>G on transcript NM_003073.5 (MANE Select); coding-DNA position 204, T replaced by G.
Protein change: p.His68Gln; replaces histidine 68 with glutamine.
Molecular consequence: missense variant.
Genome position (GRCh38, 1-based): chr22:23,791,866, T>G. VCF-style: chr22-23791866-T-G. GRCh37 (hg19) VCF-style: chr22-24134053-T-G.
Other names: c.204T>G, p.His68Gln (NM_001007468.3, NM_001317946.2, NM_001362877.2); short protein forms H68Q.
Identifiers: ClinVar variation 3624854 (VCV003624854.2).

ClinVar aggregate classification (germline): Uncertain significance (1 of 4 stars; one submission).

Submission:

Labcorp Genetics (formerly Invitae), Labcorp
Classification: Uncertain significance. Last evaluated: 2024-03-13. Review status: criteria provided, single submitter. Criteria: Invitae Variant Classification Sherloc (09022015). Collection method: clinical testing. Allele origin: germline.
Comment: This sequence change replaces histidine, which is basic and polar, with glutamine, which is neutral and polar, at codon 68 of the SMARCB1 protein (p.His68Gln). This variant is not present in population databases (gnomAD no frequency). This variant has not been reported in the literature in individuals affected with SMARCB1-related conditions. An algorithm developed to predict the effect of missense changes on protein structure and function (PolyPhen-2) suggests that this variant is likely to be tolerated. In summary, the available evidence is currently insufficient to determine the role of this variant in disease. Therefore, it has been classified as a Variant of Uncertain Significance.